The following is an entry in ClinVar:

NM_000368.5(TSC1):c.156C>T (p.Thr52=)

Gene: TSC1 (TSC complex subunit 1; minus strand). Cytogenetic location: 9q34.13.
Variant type: single nucleotide variant.
Coding change: c.156C>T on transcript NM_000368.5 (MANE Select); coding-DNA position 156, C replaced by T.
Protein change: p.Thr52=; no amino-acid change (threonine 52 retained).
Molecular consequence: synonymous variant. On other transcripts: intron variant (1).
Genome position (GRCh38, 1-based): chr9:132,927,255, G>A on the plus strand (C>T on the coding strand, the complement: TSC1 is on the minus strand). VCF-style: chr9-132927255-G-A. GRCh37 (hg19) VCF-style: chr9-135802642-G-A.
Other names: c.156C>T, p.Thr52= (NM_001162426.2, NM_001162427.2); c.-154+1512C>T (NM_001362177.2).
Identifiers: ClinVar variation 1546028 (VCV001546028.11), dbSNP rs1564503304, ClinGen allele CA467594277.

ClinVar aggregate classification (germline): Benign/Likely benign. Review status: criteria provided, multiple submitters, no conflicts (2 of 4 stars). 3 submissions from 3 submitters: Benign (1); Likely benign (2). Last evaluated 2025-04-07.

Conditions:
Tuberous sclerosis 1 (TSC1). Identifiers: Orphanet 805, MedGen C1854465, MONDO:0008612, OMIM 191100.
Hereditary cancer-predisposing syndrome. Also called: Neoplastic Syndromes, Hereditary; Tumor predisposition; Hereditary neoplastic syndrome; Hereditary Cancer Syndrome. Identifiers: Orphanet 140162, MedGen C0027672, MeSH D009386, MONDO:0015356.

gnomAD v4.1: 2 of 1,614,056 alleles (0.00012%); highest among the groups gnomAD compares: South Asian, 0.0022%; no homozygotes.

Submissions (3):

Myriad Genetics, Inc.
Classification: Benign for Tuberous sclerosis 1. Last evaluated: 2025-04-07. Review status: criteria provided, single submitter. Criteria: Myriad Autosomal Dominant, Autosomal Recessive and X-Linked Classification Criteria (2023). Collection method: clinical testing. Allele origin: unknown.
Comment: This variant is considered benign. This variant is a silent/synonymous amino acid change and it is not expected to impact splicing.

Labcorp Genetics (formerly Invitae), Labcorp
Classification: Likely benign for Tuberous sclerosis 1. Last evaluated: 2022-07-03. Review status: criteria provided, single submitter. Criteria: Invitae Variant Classification Sherloc (09022015). Collection method: clinical testing. Allele origin: germline.

Ambry Genetics
Classification: Likely benign for Hereditary cancer-predisposing syndrome. Last evaluated: 2021-12-28. Review status: criteria provided, single submitter. Criteria: Ambry Variant Classification Scheme 2023. Collection method: clinical testing. Allele origin: germline.